The following is an entry in ClinVar:

NM_000059.4(BRCA2):c.3281del (p.Lys1094fs)

Gene: BRCA2 (BRCA2 DNA repair associated; plus strand). Cytogenetic location: 13q13.1.
Variant type: Deletion.
Coding change: c.3281del on transcript NM_000059.4 (MANE Select); coding-DNA position 3281, one base deleted (A; older notation c.3281delA).
Protein change: p.Lys1094fs; shifts the reading frame from lysine 1094.
Molecular consequence: frameshift variant.
Genome position (GRCh38, 1-based): chr13:32,337,636, A deleted; the last of 2 consecutive A bases (chr13:32,337,635-32,337,636); deleting either gives the same sequence. VCF-style (leftmost placement, unchanged base first): chr13-32337634-CA-C. GRCh37 (hg19) VCF-style: chr13-32911771-CA-C.
Other names: short protein forms K1094fs.
Identifiers: ClinVar variation 993205 (VCV000993205.1), dbSNP rs2072476789, ClinGen allele CA954693344.
Genomic context (GRCh38, chr13:32,337,634, plus strand): 5'-GAGTAGTGTAGTTGTTTCTGATTGTAAAAATAGTCATATAACCCCTCAGATGTTATTTTC[CA>C]AGCAGGATTTTAATTCAAACCATAATTTAACACCTAGCCAAAAGGCAGAAATTACAGAAC-3'

ClinVar aggregate classification (germline): Pathogenic (1 of 4 stars; one submission).

Submission:

Quest Diagnostics Nichols Institute San Juan Capistrano
Classification: Pathogenic. Last evaluated: 2019-12-12. Review status: criteria provided, single submitter. Criteria: Quest Diagnostics criteria. Collection method: clinical testing. Allele origin: unknown.
Comment: The variant results in a shift of the reading frame, and is therefore predicted to result in the loss of a functional protein. Found in at least one patient with expected phenotype for this gene, and not found in general population data.